The following is an entry in ClinVar:

NM_001184900.3(CARD8):c.599T>C (p.Leu200Pro)

Gene: CARD8 (caspase recruitment domain family member 8; minus strand). Cytogenetic location: 19q13.33.
Variant type: single nucleotide variant.
Coding change: c.599T>C on transcript NM_001184900.3 (MANE Select); coding-DNA position 599, T replaced by C.
Protein change: p.Leu200Pro; replaces leucine 200 with proline.
Molecular consequence: missense variant. On other transcripts: non-coding transcript variant (4).
Genome position (GRCh38, 1-based): chr19:48,230,950, A>G on the plus strand (T>C on the coding strand, the complement: CARD8 is on the minus strand). VCF-style: chr19-48230950-A-G. GRCh37 (hg19) VCF-style: chr19-48734207-A-G.
Other names: c.449T>C, p.Leu150Pro (NM_001184901.1, NM_001351783.2, NM_001351788.2 and 2 more transcripts); c.599T>C, p.Leu200Pro (NM_001184902.2, NM_001184903.1, NM_001351782.2); c.284T>C, p.Leu95Pro (NM_001351784.2, NM_001351787.2, NM_001351791.2 and 2 more transcripts); c.263T>C, p.Leu88Pro (NM_001351786.2); c.356T>C, p.Leu119Pro (NM_001351790.2); short protein forms L200P, L95P, L88P, L119P, L150P.
Identifiers: ClinVar variation 1389415 (VCV001389415.8), dbSNP rs771578974, ClinGen allele CA9547967.

ClinVar aggregate classification (germline): Uncertain significance (1 of 4 stars; one submission).

Allele frequency attached by ClinVar (database versions not stated): gnomAD exomes 0.00001 and 0.00004; TOPMed 0.00001; gnomAD 0.00003 and 0.00004; ExAC 0.00004.
gnomAD v4.1: 40 of 1,614,050 alleles (0.0025%); highest among the groups gnomAD compares: East Asian, 0.02%; 1 homozygote.

Submission:

Labcorp Genetics (formerly Invitae), Labcorp
Classification: Uncertain significance. Last evaluated: 2025-10-10. Review status: criteria provided, single submitter. Criteria: Invitae Variant Classification Sherloc (09022015). Collection method: clinical testing. Allele origin: germline.
Comment: This sequence change replaces leucine, which is neutral and non-polar, with proline, which is neutral and non-polar, at codon 150 of the CARD8 protein (p.Leu150Pro). This variant is present in population databases (rs771578974, gnomAD 0.03%). This variant has not been reported in the literature in individuals affected with CARD8-related conditions. ClinVar contains an entry for this variant (Variation ID: 1389415). An algorithm developed to predict the effect of missense changes on protein structure and function (PolyPhen-2) suggests that this variant is likely to be disruptive. In summary, the available evidence is currently insufficient to determine the role of this variant in disease. Therefore, it has been classified as a Variant of Uncertain Significance.